The following is an entry in ClinVar:

NM_021076.4(NEFH):c.860T>A (p.Leu287Gln)

Gene: NEFH (neurofilament heavy chain; plus strand). Cytogenetic location: 22q12.2.
Variant type: single nucleotide variant.
Coding change: c.860T>A on transcript NM_021076.4 (MANE Select); coding-DNA position 860, T replaced by A.
Protein change: p.Leu287Gln; replaces leucine 287 with glutamine.
Molecular consequence: missense variant.
Genome position (GRCh38, 1-based): chr22:29,481,122, T>A. VCF-style: chr22-29481122-T-A. GRCh37 (hg19) VCF-style: chr22-29877111-T-A.
Other names: short protein forms L287Q.
Identifiers: ClinVar variation 1346369 (VCV001346369.6), dbSNP rs2063005794, ClinGen allele CA411124258.

ClinVar aggregate classification (germline): Uncertain significance (1 of 4 stars; one submission).

Allele frequency attached by ClinVar (database versions not stated): gnomAD exomes below 0.00001; gnomAD 0.00001; 1000 Genomes Project 30x 0.00016.
gnomAD v4.1: 2 of 1,521,894 alleles (0.00013%); highest among the groups gnomAD compares: East Asian, 0.0025%; no homozygotes.

Submission:

Labcorp Genetics (formerly Invitae), Labcorp
Classification: Uncertain significance. Last evaluated: 2026-01-11. Review status: criteria provided, single submitter. Criteria: Invitae Variant Classification Sherloc (09022015). Collection method: clinical testing. Allele origin: germline.
Comment: This sequence change replaces leucine, which is neutral and non-polar, with glutamine, which is neutral and polar, at codon 287 of the NEFH protein (p.Leu287Gln). This variant is not present in population databases (gnomAD no frequency). This variant has not been reported in the literature in individuals affected with NEFH-related conditions. ClinVar contains an entry for this variant (Variation ID: 1346369). Invitae Evidence Modeling of protein sequence and biophysical properties (such as structural, functional, and spatial information, amino acid conservation, physicochemical variation, residue mobility, and thermodynamic stability) indicates that this missense variant is not expected to disrupt NEFH protein function with a negative predictive value of 95%. In summary, the available evidence is currently insufficient to determine the role of this variant in disease. Therefore, it has been classified as a Variant of Uncertain Significance.